The following is an entry in ClinVar:

NM_005573.4(LMNB1):c.18C>T (p.Pro6=)

Gene: LMNB1 (lamin B1; plus strand). Cytogenetic location: 5q23.2.
Variant type: single nucleotide variant.
Coding change: c.18C>T on transcript NM_005573.4 (MANE Select); coding-DNA position 18, C replaced by T.
Protein change: p.Pro6=; no amino-acid change (proline 6 retained).
Molecular consequence: synonymous variant. On other transcripts: non-coding transcript variant (2), intron variant (1).
Genome position (GRCh38, 1-based): chr5:126,777,526, C>T. VCF-style: chr5-126777526-C-T. GRCh37 (hg19) VCF-style: chr5-126113218-C-T.
Other names: c.-272+282C>T (NM_001198557.2).
Identifiers: ClinVar variation 2960650 (VCV002960650.8), dbSNP rs777808428, ClinGen allele CA3390406.
Genomic context (GRCh38, chr5:126,777,526, plus strand): 5'-TCCCGCTCGCGGCCTCGCCGCCCCGCTGTCTCCGCCGCCCGCCATGGCGACTGCGACCCC[C>T]GTGCCGCCGCGGATGGGCAGCCGCGCTGGCGGCCCCACCACGCCGCTGAGCCCCACGCGC-3'
Protein context (NP_005564.1, residues 1-16): MATAT[Pro6=]VPPRMGSRAG

ClinVar aggregate classification (germline): Likely benign. Review status: criteria provided, multiple submitters, no conflicts (2 of 4 stars). 2 submissions from 2 submitters: Likely benign (2). Last evaluated 2025-12-01.

Allele frequency attached by ClinVar (database versions not stated): gnomAD 0.00001; TOPMed 0.00005.
gnomAD v4.1: 5 of 1,388,914 alleles (0.00036%); highest among the groups gnomAD compares: Admixed American, 0.014%; no homozygotes.

Submissions (2):

CeGaT Center for Human Genetics Tuebingen
Classification: Likely benign. Last evaluated: 2025-12-01. Review status: criteria provided, single submitter. Criteria: CeGaT Center For Human Genetics Tuebingen Variant Classification Criteria Version 2. Collection method: clinical testing. Allele origin: germline. Affected: yes. Observed: 1 variant allele.
Comment: LMNB1: BP4, BP7

Labcorp Genetics (formerly Invitae), Labcorp
Classification: Likely benign. Last evaluated: 2025-11-25. Review status: criteria provided, single submitter. Criteria: Invitae Variant Classification Sherloc (09022015). Collection method: clinical testing. Allele origin: germline.